The following is an entry in ClinVar:

ClinVar aggregate classification (germline): Likely benign (1 of 4 stars; one submission).

Conditions:
MEN1-related disorder. Also called: MEN1-related condition.

gnomAD v4.1: 6 of 334,640 alleles (0.0018%); highest among the groups gnomAD compares: South Asian, 0.026%; no homozygotes.

Submission:

PreventionGenetics, part of Exact Sciences
Classification: Likely benign for MEN1-related condition. Last evaluated: 2026-08-23. Review status: criteria provided, single submitter. Criteria: ACMG Guidelines, 2015. Collection method: clinical testing. Allele origin: germline.
Comment: This variant is classified as likely benign based on ACMG/AMP sequence variant interpretation guidelines (Richards et al. 2015 PMID: 25741868, with internal and published modifications).

NM_001370259.2(MEN1):c.*416G>A

Gene: MEN1 (menin 1; minus strand). Cytogenetic location: 11q13.1.
Variant type: single nucleotide variant.
Coding change: c.*416G>A on transcript NM_001370259.2 (MANE Select); 416 bases downstream of the stop codon, G replaced by A.
Molecular consequence: 3 prime UTR variant. On other transcripts: non-coding transcript variant (4).
Genome position (GRCh38, 1-based): chr11:64,803,918, C>T on the plus strand (G>A on the coding strand, the complement: MEN1 is on the minus strand). VCF-style: chr11-64803918-C-T. GRCh37 (hg19) VCF-style: chr11-64571390-C-T.
Other names: c.*416G>A (NM_000244.4, NM_001370251.2, NM_001370260.2 and 20 more transcripts).
Identifiers: ClinVar variation 4988768 (VCV004988768.1).